The following is an entry in ClinVar:

ClinVar aggregate classification (germline): Uncertain significance (1 of 4 stars; one submission).

Conditions:
Stromme syndrome (STROMS). Also called: APPLE PEEL SYNDROME WITH MICROCEPHALY AND OCULAR ANOMALIES; Strømme Syndrome; Ciliary dyskinesia, primary, 31. Identifiers: Orphanet 444069, Orphanet 506307, MedGen C1855705, MONDO:0009477, OMIM 243605.

Allele frequency attached by ClinVar (database versions not stated): gnomAD 0.00004 and 0.00003; ExAC 0.00001; gnomAD exomes 0.00001; TOPMed 0.00002.
gnomAD v4.1: 81 of 1,614,030 alleles (0.005%); highest among the groups gnomAD compares: Non-Finnish European, 0.0064%; no homozygotes.

Submission:

Baylor Genetics
Classification: Uncertain significance for Stromme syndrome. Last evaluated: 2018-07-19. Review status: criteria provided, single submitter. Criteria: ACMG Guidelines, 2015. Collection method: clinical testing. Allele origin: unknown. Affected: yes.
Comment: This variant was determined to be of uncertain significance according to ACMG Guidelines, 2015 [PMID:25741868].

NM_016343.4(CENPF):c.7647A>C (p.Gln2549His)

Gene: CENPF (centromere protein F; plus strand). Cytogenetic location: 1q41.
Variant type: single nucleotide variant.
Coding change: c.7647A>C on transcript NM_016343.4 (MANE Select); coding-DNA position 7647, A replaced by C.
Protein change: p.Gln2549His; replaces glutamine 2549 with histidine.
Molecular consequence: missense variant.
Genome position (GRCh38, 1-based): chr1:214,647,217, A>C. VCF-style: chr1-214647217-A-C. GRCh37 (hg19) VCF-style: chr1-214820560-A-C.
Other names: short protein forms Q2549H.
Identifiers: ClinVar variation 1033406 (VCV001033406.1), dbSNP rs777730944, ClinGen allele CA1391158.